The following is an entry in ClinVar:

NM_020832.3(ZNF687):c.3005_3007del (p.Phe1002del)

Gene: ZNF687 (zinc finger protein 687; plus strand). Cytogenetic location: 1q21.3.
Variant type: Deletion.
Coding change: c.3005_3007del on transcript NM_020832.3 (MANE Select); coding-DNA positions 3005 to 3007, 3 bases deleted (TCT; older notation c.3005_3007delTCT).
Protein change: p.Phe1002del; deletes phenylalanine 1002.
Molecular consequence: inframe deletion.
Genome position (GRCh38, 1-based): chr1:151,290,162-151,290,164, TCT deleted; deleting any 3 consecutive bases within chr1:151,290,160-151,290,164 gives the same sequence; the c. name uses the placement nearest the transcript's 3' end. VCF-style (leftmost placement, unchanged base first): chr1-151290159-CCTT-C. GRCh37 (hg19) VCF-style: chr1-151262635-CCTT-C.
Other names: c.3005_3007del, p.Phe1002del (NM_001304763.2, NM_001304764.2); short protein forms F1002del.
Identifiers: ClinVar variation 2134482 (VCV002134482.4), dbSNP rs2528539650, ClinGen allele CA2573901425.
Genomic context (GRCh38, chr1:151,290,159, plus strand): 5'-GACATCTACCCCTGCTCTCCTAGTCAGTGAAAAAGTTCCCCTGTCGCCTGTGTGAGCGCT[CCTT>C]CTGCTCCGCCCCCAGCCTGAGGCGCCATGTCAGAGTTAATCACGAGGGCATCAAGCGAGT-3'

ClinVar aggregate classification (germline): Uncertain significance (1 of 4 stars; one submission).

Submission:

Labcorp Genetics (formerly Invitae), Labcorp
Classification: Uncertain significance. Last evaluated: 2022-05-06. Review status: criteria provided, single submitter. Criteria: Invitae Variant Classification Sherloc (09022015). Collection method: clinical testing. Allele origin: germline.
Comment: In summary, the available evidence is currently insufficient to determine the role of this variant in disease. Therefore, it has been classified as a Variant of Uncertain Significance. Algorithms developed to predict the effect of sequence changes on RNA splicing suggest that this variant may disrupt the consensus splice site. Experimental studies and prediction algorithms are not available or were not evaluated, and the functional significance of this variant is currently unknown. This variant has not been reported in the literature in individuals affected with ZNF687-related conditions. This variant is not present in population databases (gnomAD no frequency). This variant, c.3005_3007del, results in the deletion of 1 amino acid(s) of the ZNF687 protein (p.Phe1002del), but otherwise preserves the integrity of the reading frame.